The following is an entry in ClinVar:

NM_004329.3(BMPR1A):c.779T>C (p.Val260Ala)

Gene: BMPR1A (bone morphogenetic protein receptor type 1A; plus strand). Cytogenetic location: 10q23.2.
Variant type: single nucleotide variant.
Coding change: c.779T>C on transcript NM_004329.3 (MANE Select); coding-DNA position 779, T replaced by C.
Protein change: p.Val260Ala; replaces valine 260 with alanine.
Molecular consequence: missense variant. On other transcripts: non-coding transcript variant (3).
Genome position (GRCh38, 1-based): chr10:86,917,237, T>C. VCF-style: chr10-86917237-T-C. GRCh37 (hg19) VCF-style: chr10-88676994-T-C.
Other names: c.854T>C, p.Val285Ala (NM_001406559.1); c.827T>C, p.Val276Ala (NM_001406560.1); c.779T>C, p.Val260Ala (NM_001406561.1, NM_001406562.1, NM_001406563.1 and 19 more transcripts); c.437T>C, p.Val146Ala (NM_001406589.1); c.773T>C, p.Val258Ala (NM_001406583.1); c.695T>C, p.Val232Ala (NM_001406584.1, NM_001406585.1, NM_001406586.1 and 2 more transcripts); short protein forms V260A, V146A, V232A, V276A, V258A, V285A.
Identifiers: ClinVar variation 2694693 (VCV002694693.3), dbSNP rs755740570, ClinGen allele CA377457980.
Genomic context (GRCh38, chr10:86,917,237, plus strand): 5'-TTGGTAAAGGCCGATATGGAGAAGTATGGATGGGCAAATGGCGTGGCGAAAAAGTGGCGG[T>C]GAAAGTATTCTTTACCACTGAAGAAGCCAGCTGGTTTCGAGAAACAGAAATCTACCAAAC-3'
Protein context (NP_004320.2, residues 250-270): MGKWRGEKVA[Val260Ala]KVFFTTEEAS

ClinVar aggregate classification (germline): Uncertain significance (1 of 4 stars; one submission).

Conditions:
Juvenile polyposis syndrome (JPS). Identifiers: Orphanet 2929, MedGen C0345893, MONDO:0017380, OMIM 174900.

Submission:

Labcorp Genetics (formerly Invitae), Labcorp
Classification: Uncertain significance for Juvenile polyposis syndrome. Last evaluated: 2023-11-10. Review status: criteria provided, single submitter. Criteria: Invitae Variant Classification Sherloc (09022015). Collection method: clinical testing. Allele origin: germline.
Comment: This sequence change replaces valine, which is neutral and non-polar, with alanine, which is neutral and non-polar, at codon 260 of the BMPR1A protein (p.Val260Ala). This variant is not present in population databases (gnomAD no frequency). This variant has not been reported in the literature in individuals affected with BMPR1A-related conditions. Advanced modeling of protein sequence and biophysical properties (such as structural, functional, and spatial information, amino acid conservation, physicochemical variation, residue mobility, and thermodynamic stability) has been performed at Invitae for this missense variant, however the output from this modeling did not meet the statistical confidence thresholds required to predict the impact of this variant on BMPR1A protein function. In summary, the available evidence is currently insufficient to determine the role of this variant in disease. Therefore, it has been classified as a Variant of Uncertain Significance.